The following is an entry in ClinVar:

ClinVar aggregate classification (germline): Uncertain significance. Review status: criteria provided, multiple submitters, no conflicts (2 of 4 stars). 6 submissions from 4 submitters: Uncertain significance (6). Last evaluated 2026-07-13.

Conditions:
Retinitis pigmentosa 12 (RP12). Also called: RP WITH OR WITHOUT PRESERVED PARAARTERIOLE RETINAL PIGMENT EPITHELIUM; RETINITIS PIGMENTOSA WITH OR WITHOUT PARAARTERIOLAR PRESERVATION OF RETINAL PIGMENT EPITHELIUM; RP WITH OR WITHOUT PPRPE. Identifiers: Orphanet 791, MedGen C1838647, MONDO:0010818, OMIM 600105.
Leber congenital amaurosis 8 (LCA8). Identifiers: Orphanet 65, MedGen C3151202, MONDO:0013453, OMIM 613835.
CRB1-related disorder. Also called: CRB1-related disorders; CRB1-related condition.
Inborn genetic diseases. Identifiers: MedGen C0950123, MeSH D030342.
Pigmented paravenous retinochoroidal atrophy. Identifiers: Orphanet 251295, MedGen C1868310, MONDO:0008246, OMIM 172870.

Allele frequency attached by ClinVar (database versions not stated): ExAC 0.00001; TOPMed 0.00002; gnomAD 0.00004.
gnomAD v4.1: 53 of 1,613,548 alleles (0.0033%); highest among the groups gnomAD compares: Non-Finnish European, 0.0044%; no homozygotes.

Submissions (6):

PreventionGenetics, part of Exact Sciences
Classification: Uncertain significance for CRB1-related condition. Last evaluated: 2026-07-13. Review status: criteria provided, single submitter. Criteria: ACMG Guidelines, 2015. Collection method: clinical testing. Allele origin: germline.
Comment: The CRB1 c.1204T>C variant is predicted to result in the amino acid substitution p.Ser402Pro. To our knowledge, this variant has not been reported in the literature. This variant is reported in 0.0046% of alleles in individuals of European (Non-Finnish) descent in gnomAD. At this time, the clinical significance of this variant is uncertain due to the absence of conclusive functional and genetic evidence.

Ambry Genetics
Classification: Uncertain significance for Inborn genetic diseases. Last evaluated: 2025-12-08. Review status: criteria provided, single submitter. Criteria: Ambry Variant Classification Scheme 2023. Collection method: clinical testing. Allele origin: germline.

Genome-Nilou Lab
Classification: Uncertain significance for Leber congenital amaurosis 8. Last evaluated: 2023-04-11. Review status: criteria provided, single submitter. Criteria: ACMG Guidelines, 2015. Collection method: clinical testing. Allele origin: germline. Affected: no.

Genome-Nilou Lab
Classification: Uncertain significance for Pigmented paravenous retinochoroidal atrophy. Last evaluated: 2023-04-11. Review status: criteria provided, single submitter. Criteria: ACMG Guidelines, 2015. Collection method: clinical testing. Allele origin: germline. Affected: no.

Genome-Nilou Lab
Classification: Uncertain significance for Retinitis pigmentosa 12. Last evaluated: 2023-04-11. Review status: criteria provided, single submitter. Criteria: ACMG Guidelines, 2015. Collection method: clinical testing. Allele origin: germline. Affected: no.

Labcorp Genetics (formerly Invitae), Labcorp
Classification: Uncertain significance for Leber congenital amaurosis 8; Retinitis pigmentosa 12. Last evaluated: 2021-09-01. Review status: criteria provided, single submitter. Criteria: Invitae Variant Classification Sherloc (09022015). Collection method: clinical testing. Allele origin: germline.
Comment: This sequence change replaces serine with proline at codon 402 of the CRB1 protein (p.Ser402Pro). The serine residue is highly conserved and there is a moderate physicochemical difference between serine and proline. This variant is present in population databases (rs781359016, ExAC 0.001%). This variant has not been reported in the literature in individuals affected with CRB1-related conditions. Algorithms developed to predict the effect of missense changes on protein structure and function are either unavailable or do not agree on the potential impact of this missense change (SIFT: "Tolerated"; PolyPhen-2: "Possibly Damaging"; Align-GVGD: "Class C0"). In summary, the available evidence is currently insufficient to determine the role of this variant in disease. Therefore, it has been classified as a Variant of Uncertain Significance.

NM_201253.3(CRB1):c.1204T>C (p.Ser402Pro)

Gene: CRB1 (crumbs cell polarity complex component 1; plus strand). Cytogenetic location: 1q31.3.
Variant type: single nucleotide variant.
Coding change: c.1204T>C on transcript NM_201253.3 (MANE Select); coding-DNA position 1204, T replaced by C.
Protein change: p.Ser402Pro; replaces serine 402 with proline.
Molecular consequence: missense variant. On other transcripts: non-coding transcript variant (2).
Genome position (GRCh38, 1-based): chr1:197,421,032, T>C. VCF-style: chr1-197421032-T-C. GRCh37 (hg19) VCF-style: chr1-197390162-T-C.
Other names: c.1204T>C (NM_201253.2); c.868T>C, p.Ser290Pro (NM_001193640.2); c.997T>C, p.Ser333Pro (NM_001257965.2); c.1204T>C, p.Ser402Pro (NM_001257966.2); short protein forms S402P, S290P, S333P.
Identifiers: ClinVar variation 2062304 (VCV002062304.6), dbSNP rs781359016, ClinGen allele CA1311887.